The following is an entry in ClinVar:

ClinVar aggregate classification (germline): Pathogenic (0 of 4 stars; one submission).

Conditions:
Central core myopathy (CMYO1A). Also called: Central core disease; Myopathy, central fibrillar; CONGENITAL MYOPATHY 1A, AUTOSOMAL DOMINANT, WITH SUSCEPTIBILITY TO MALIGNANT HYPERTHERMIA. Identifiers: Orphanet 597, MedGen C5830701, MONDO:0007294, OMIM 117000.

Submission:

GeneReviews
Classification: Pathogenic for Central Core Disease. Last evaluated: 2010-05-11. Review status: no assertion criteria provided. Collection method: curation. Allele origin: unknown.
ClinVar note: Converted during submission from pathologic to Pathogenic.

Single allele

Variant type: Variation.
Identifiers: ClinVar variation 65974 (VCV000065974.2).